The following is an entry in ClinVar:

ClinVar aggregate classification (germline): Uncertain significance (1 of 4 stars; one submission).

Allele frequency attached by ClinVar (database versions not stated): gnomAD 0.00001; TOPMed 0.00002.
gnomAD v4.1: 36 of 1,608,504 alleles (0.0022%); highest among the groups gnomAD compares: Non-Finnish European, 0.003%; no homozygotes.

Submission:

Labcorp Genetics (formerly Invitae), Labcorp
Classification: Uncertain significance. Last evaluated: 2023-04-15. Review status: criteria provided, single submitter. Criteria: Invitae Variant Classification Sherloc (09022015). Collection method: clinical testing. Allele origin: germline.
Comment: In summary, the available evidence is currently insufficient to determine the role of this variant in disease. Therefore, it has been classified as a Variant of Uncertain Significance. This sequence change replaces proline, which is neutral and non-polar, with leucine, which is neutral and non-polar, at codon 1892 of the COL7A1 protein (p.Pro1892Leu). The frequency data for this variant in the population databases is considered unreliable, as metrics indicate poor data quality at this position in the gnomAD database. This variant has not been reported in the literature in individuals affected with COL7A1-related conditions. ClinVar contains an entry for this variant (Variation ID: 2186209). Advanced modeling of protein sequence and biophysical properties (such as structural, functional, and spatial information, amino acid conservation, physicochemical variation, residue mobility, and thermodynamic stability) performed at Invitae indicates that this missense variant is expected to disrupt COL7A1 protein function.

NM_000094.4(COL7A1):c.5675C>T (p.Pro1892Leu)

Gene: COL7A1 (collagen type VII alpha 1 chain; minus strand). Cytogenetic location: 3p21.31.
Variant type: single nucleotide variant.
Coding change: c.5675C>T on transcript NM_000094.4 (MANE Select); coding-DNA position 5675, C replaced by T.
Protein change: p.Pro1892Leu; replaces proline 1892 with leucine.
Molecular consequence: missense variant.
Genome position (GRCh38, 1-based): chr3:48,576,701, G>A on the plus strand (C>T on the coding strand, the complement: COL7A1 is on the minus strand). VCF-style: chr3-48576701-G-A. GRCh37 (hg19) VCF-style: chr3-48614134-G-A.
Other names: short protein forms P1892L.
Identifiers: ClinVar variation 2186209 (VCV002186209.4), dbSNP rs773824386, ClinGen allele CA2379392.
Genomic context (GRCh38, chr3:48,576,701, plus strand): 5'-TGCTCTGAAGTCCCAGAATGACCCAGGACACTCACCTGGCCAGGAGGGCCCACTGGCCCT[G>A]GGAGGCCTGGAGGCCCCTGGGGTCCAAGGATACCAGGAGCTCCACGCTCACCCTTGGGGC-3'
Protein context (NP_000085.1, residues 1882-1902): ILGPQGPPGL[Pro1892Leu]GPVGPPGQGF